The following is an entry in ClinVar:

NM_000360.4(TH):c.1399G>T (p.Asp467Tyr)

Gene: TH (tyrosine hydroxylase; minus strand). Cytogenetic location: 11p15.5.
Variant type: single nucleotide variant.
Coding change: c.1399G>T on transcript NM_000360.4 (MANE Select); coding-DNA position 1399, G replaced by T.
Protein change: p.Asp467Tyr; replaces aspartic acid 467 with tyrosine.
Molecular consequence: missense variant.
Genome position (GRCh38, 1-based): chr11:2,164,328, C>A on the plus strand (G>T on the coding strand, the complement: TH is on the minus strand). VCF-style: chr11-2164328-C-A. GRCh37 (hg19) VCF-style: chr11-2185558-C-A.
Other names: c.1492G>T, p.Asp498Tyr (NM_199292.3); c.1480G>T, p.Asp494Tyr (NM_199293.3); short protein forms D467Y, D494Y, D498Y.
Identifiers: ClinVar variation 1347919 (VCV001347919.8), dbSNP rs200751977, ClinGen allele CA379124421.

ClinVar aggregate classification (germline): Likely pathogenic (1 of 4 stars; one submission).

Conditions:
TH-deficient dopa-responsive dystonia. Also called: Tyrosine Hydroxylase-Deficient Dopa-Responsive Dystonia; Segawa syndrome, autosomal recessive; DYT-TH. Identifiers: Orphanet 101150, MedGen C2673535, MONDO:0011551, OMIM 605407.

Allele frequency attached by ClinVar (database versions not stated): gnomAD 0.00001.

Submission:

Labcorp Genetics (formerly Invitae), Labcorp
Classification: Likely pathogenic for TH-deficient dopa-responsive dystonia. Last evaluated: 2024-05-27. Review status: criteria provided, single submitter. Criteria: Invitae Variant Classification Sherloc (09022015). Collection method: clinical testing. Allele origin: germline.
Comment: This sequence change replaces aspartic acid, which is acidic and polar, with tyrosine, which is neutral and polar, at codon 498 of the TH protein (p.Asp498Tyr). This variant is not present in population databases (gnomAD no frequency). This variant has not been reported in the literature in individuals affected with TH-related conditions. ClinVar contains an entry for this variant (Variation ID: 1347919). Advanced modeling of protein sequence and biophysical properties (such as structural, functional, and spatial information, amino acid conservation, physicochemical variation, residue mobility, and thermodynamic stability) has been performed at Invitae for this missense variant, however the output from this modeling did not meet the statistical confidence thresholds required to predict the impact of this variant on TH protein function. This variant disrupts the p.Asp498 amino acid residue in TH. Other variant(s) that disrupt this residue have been determined to be pathogenic (PMID: 11160968, 15505183, 15747353). This suggests that this residue is clinically significant, and that variants that disrupt this residue are likely to be disease-causing. In summary, the currently available evidence indicates that the variant is pathogenic, but additional data are needed to prove that conclusively. Therefore, this variant has been classified as Likely Pathogenic.

Literature cited by the submitters: PubMed 11160968; PubMed 15505183; PubMed 15747353.